The following is an entry in ClinVar:

NM_000322.5(PRPH2):c.745G>A (p.Gly249Ser)

Gene: PRPH2 (peripherin 2; minus strand). Cytogenetic location: 6p21.1.
Variant type: single nucleotide variant.
Coding change: c.745G>A on transcript NM_000322.5 (MANE Select); coding-DNA position 745, G replaced by A.
Protein change: p.Gly249Ser; replaces glycine 249 with serine.
Molecular consequence: missense variant.
Genome position (GRCh38, 1-based): chr6:42,704,448, C>T on the plus strand (G>A on the coding strand, the complement: PRPH2 is on the minus strand). VCF-style: chr6-42704448-C-T. GRCh37 (hg19) VCF-style: chr6-42672186-C-T.
Other names: short protein forms G249S.
Identifiers: ClinVar variation 1175273 (VCV001175273.3), dbSNP rs2152005248, ClinGen allele CA364134999.

ClinVar aggregate classification (germline): Conflicting classifications of pathogenicity. Review status: criteria provided, conflicting classifications (1 of 4 stars). 3 submissions from 3 submitters: Likely pathogenic (1); Uncertain significance (1). 1 of the submissions does not count toward it. Last evaluated 2022-01-03.

Conditions:
Retinal dystrophy. Also called: Inherited retinal dystrophy. Identifiers: Orphanet 71862, MedGen C0854723, MeSH D058499, MONDO:0019118, HP:0000556.
Retinitis pigmentosa 7 (RP7). Identifiers: Orphanet 791, MedGen C1842475, MONDO:0011974, OMIM 608133.

Submissions (3):

3billion
Classification: Uncertain significance for Retinitis pigmentosa 7. Last evaluated: 2022-01-03. Review status: criteria provided, single submitter. Criteria: ACMG Guidelines, 2015. Collection method: clinical testing. Allele origin: germline. Affected: yes. Observed: 1 heterozygote.
Comment: Same nucleotide change resulting in same amino acid change has been previously reported to be associated with PRPH2 related disorder (ClinVar ID: VCV001175273, PMID:19038374, PS1_P). In silico tool predictions suggest damaging effect of the variant on gene or gene product (REVEL: 0.871, 3CNET: 0.958, PP3_P). A missense variant is a common mechanism associated with Retinitis pigmentosa 7 and digenic form (PP2_P). It is not observed in the gnomAD v2.1.1 dataset (PM2_M). Therefore, this variant is classified as uncertain significance according to the recommendation of ACMG/AMP guideline.

Institute of Human Genetics, Univ. Regensburg, Univ. Regensburg
Classification: Likely pathogenic for Retinal dystrophy. Last evaluated: 2007-01-01. Review status: criteria provided, single submitter. Criteria: ACMG Guidelines, 2015. Collection method: clinical testing. Allele origin: germline. Affected: yes.

Leiden Open Variation Database
Classification: Likely pathogenic. Last evaluated: 2021-04-06. Review status: no assertion criteria provided. Collection method: curation. Allele origin: germline. Affected: yes. Not counted in ClinVar's aggregate classification.
Comment: Curator: Global Variome, with Curator vacancy. Submitter to LOVD: Manon Peeters.

Literature cited by the submitters: PubMed 19038374 (cited by 3 submitters); PubMed 26796962 (cited by Institute of Human Genetics, Univ. Regensburg, Univ. Regensburg); PubMed 34411390 (cited by Institute of Human Genetics, Univ. Regensburg, Univ. Regensburg).